The following is an entry in ClinVar:

NM_020778.5(ALPK3):c.3629G>A (p.Arg1210Gln)

Gene: ALPK3 (alpha kinase 3; plus strand). Cytogenetic location: 15q25.3.
Variant type: single nucleotide variant.
Coding change: c.3629G>A on transcript NM_020778.5 (MANE Select); coding-DNA position 3629, G replaced by A.
Protein change: p.Arg1210Gln; replaces arginine 1210 with glutamine.
Molecular consequence: missense variant.
Genome position (GRCh38, 1-based): chr15:84,858,367, G>A. VCF-style: chr15-84858367-G-A. GRCh37 (hg19) VCF-style: chr15-85401598-G-A.
Other names: c.4235G>A (NM_020778.4); short protein forms R1210Q.
Identifiers: ClinVar variation 1361809 (VCV001361809.8), dbSNP rs776453848, ClinGen allele CA7709680.

ClinVar aggregate classification (germline): Conflicting classifications of pathogenicity. Review status: criteria provided, conflicting classifications (1 of 4 stars). 3 submissions from 3 submitters: Uncertain significance (2); Likely benign (1). Last evaluated 2026-09-22.

Conditions:
ALPK3-related disorder. Also called: ALPK3-related condition.
Cardiovascular phenotype. Identifiers: MedGen CN230736.

Allele frequency attached by ClinVar (database versions not stated): gnomAD 0.00001; TOPMed 0.00002; gnomAD exomes 0.00004.
gnomAD v4.1: 55 of 1,554,290 alleles (0.0035%); highest among the groups gnomAD compares: South Asian, 0.012%; 1 homozygote.

Submissions (3):

PreventionGenetics, part of Exact Sciences
Classification: Uncertain significance for ALPK3-related condition. Last evaluated: 2026-09-22. Review status: criteria provided, single submitter. Criteria: ACMG Guidelines, 2015. Collection method: clinical testing. Allele origin: germline.
Comment: The ALPK3 c.4235G>A variant is predicted to result in the amino acid substitution p.Arg1412Gln. This variant has been reported in an individual with dilated cardiomyopathy (Table S4, Herkert et al. 2020. PubMed ID: 32480058). This variant is reported in 0.0079% of alleles in individuals of European (Non-Finnish) descent in gnomAD. At this time, the clinical significance of this variant is uncertain due to the absence of conclusive functional and genetic evidence.

Labcorp Genetics (formerly Invitae), Labcorp
Classification: Uncertain significance. Last evaluated: 2025-08-24. Review status: criteria provided, single submitter. Criteria: Invitae Variant Classification Sherloc (09022015). Collection method: clinical testing. Allele origin: germline.
Comment: This sequence change replaces arginine, which is basic and polar, with glutamine, which is neutral and polar, at codon 1412 of the ALPK3 protein (p.Arg1412Gln). This variant is present in population databases (rs776453848, gnomAD 0.008%). This missense change has been observed in individual(s) with dilated cardiomyopathy (PMID: 32480058). ClinVar contains an entry for this variant (Variation ID: 1361809). Invitae Evidence Modeling of protein sequence and biophysical properties (such as structural, functional, and spatial information, amino acid conservation, physicochemical variation, residue mobility, and thermodynamic stability) indicates that this missense variant is expected to disrupt ALPK3 protein function with a positive predictive value of 80%. In summary, the available evidence is currently insufficient to determine the role of this variant in disease. Therefore, it has been classified as a Variant of Uncertain Significance.

Ambry Genetics
Classification: Likely benign for Cardiovascular phenotype. Last evaluated: 2024-01-16. Review status: criteria provided, single submitter. Criteria: Ambry Variant Classification Scheme 2023. Collection method: clinical testing. Allele origin: germline.

Literature cited by the submitters: PubMed 32480058 (cited by Labcorp Genetics (formerly Invitae), Labcorp and Ambry Genetics).